The following is an entry in ClinVar:

ClinVar aggregate classification (germline): Uncertain significance (1 of 4 stars; one submission).

Conditions:
Hereditary sensory and autonomic neuropathy type 1 (HSAN1). Also called: HSAN 1; HSN Type I; Hereditary Sensory Neuropathy Type I. Identifiers: Orphanet 36386, MedGen C0020071, MONDO:0018213.

gnomAD v4.1: 16 of 1,614,172 alleles (0.00099%); highest among the groups gnomAD compares: South Asian, 0.0066%; no homozygotes.

Submission:

Labcorp Genetics (formerly Invitae), Labcorp
Classification: Uncertain significance for Hereditary sensory and autonomic neuropathy type 1. Last evaluated: 2024-09-25. Review status: criteria provided, single submitter. Criteria: Invitae Variant Classification Sherloc (09022015). Collection method: clinical testing. Allele origin: germline.
Comment: This sequence change replaces alanine, which is neutral and non-polar, with valine, which is neutral and non-polar, at codon 461 of the SPTLC1 protein (p.Ala461Val). This variant is present in population databases (rs201892291, gnomAD 0.006%). This variant has not been reported in the literature in individuals affected with SPTLC1-related conditions. Invitae Evidence Modeling of protein sequence and biophysical properties (such as structural, functional, and spatial information, amino acid conservation, physicochemical variation, residue mobility, and thermodynamic stability) indicates that this missense variant is not expected to disrupt SPTLC1 protein function with a negative predictive value of 80%. In summary, the available evidence is currently insufficient to determine the role of this variant in disease. Therefore, it has been classified as a Variant of Uncertain Significance.

NM_006415.4(SPTLC1):c.1382C>T (p.Ala461Val)

Gene: SPTLC1 (serine palmitoyltransferase long chain base subunit 1; minus strand). Cytogenetic location: 9q22.31.
Variant type: single nucleotide variant.
Coding change: c.1382C>T on transcript NM_006415.4 (MANE Select); coding-DNA position 1382, C replaced by T.
Protein change: p.Ala461Val; replaces alanine 461 with valine.
Molecular consequence: missense variant. On other transcripts: synonymous variant (1).
Genome position (GRCh38, 1-based): chr9:92,032,505, G>A on the plus strand (C>T on the coding strand, the complement: SPTLC1 is on the minus strand). VCF-style: chr9-92032505-G-A. GRCh37 (hg19) VCF-style: chr9-94794787-G-A.
Other names: c.1350C>T, p.Cys450= (NM_001281303.2); c.1016C>T, p.Ala339Val (NM_001368272.1); c.917C>T, p.Ala306Val (NM_001368273.1); short protein forms A339V, A461V, A306V.
Identifiers: ClinVar variation 3670956 (VCV003670956.2).
Genomic context (GRCh38, chr9:92,032,505, plus strand): 5'-CCATGGTCCCGGGACTCTGCCTAGAGCAGGACGGCCTGGGCTACCTCCTTGATGGTGGAC[G>A]CAGCTCTCTCCAGTTCTTCCTCTGTTTGTTCCACCGTGACCACAACCCGAATGCTGAGAA-3'
Protein context (NP_006406.1, residues 451-471): EQTEEELERA[Ala461Val]STIKEVAQAV